The following is an entry in ClinVar:

ClinVar aggregate classification (germline): Uncertain significance. Review status: criteria provided, multiple submitters, no conflicts (2 of 4 stars). 2 submissions from 2 submitters: Uncertain significance (2). Last evaluated 2025-10-21.

Conditions:
Inborn genetic diseases. Identifiers: MedGen C0950123, MeSH D030342.

Allele frequency attached by ClinVar (database versions not stated): gnomAD 0.00001; ExAC 0.00001; TOPMed 0.00002; gnomAD exomes 0.00001.
gnomAD v4.1: 13 of 1,614,046 alleles (0.00081%); highest among the groups gnomAD compares: African/African-American, 0.0053%; no homozygotes.

Submissions (2):

Labcorp Genetics (formerly Invitae), Labcorp
Classification: Uncertain significance. Last evaluated: 2025-10-21. Review status: criteria provided, single submitter. Criteria: Invitae Variant Classification Sherloc (09022015). Collection method: clinical testing. Allele origin: germline.
Comment: This sequence change replaces glutamic acid, which is acidic and polar, with lysine, which is basic and polar, at codon 724 of the DSG1 protein (p.Glu724Lys). This variant is present in population databases (rs763943108, gnomAD 0.006%). This variant has not been reported in the literature in individuals affected with DSG1-related conditions. ClinVar contains an entry for this variant (Variation ID: 2891334). Invitae Evidence Modeling of protein sequence and biophysical properties (such as structural, functional, and spatial information, amino acid conservation, physicochemical variation, residue mobility, and thermodynamic stability) has been performed for this missense variant. However, the output from this modeling did not meet the statistical confidence thresholds required to predict the impact of this variant on DSG1 protein function. In summary, the available evidence is currently insufficient to determine the role of this variant in disease. Therefore, it has been classified as a Variant of Uncertain Significance.

Ambry Genetics
Classification: Uncertain significance for Inborn genetic diseases. Last evaluated: 2025-06-06. Review status: criteria provided, single submitter. Criteria: Ambry Variant Classification Scheme 2023. Collection method: clinical testing. Allele origin: germline.

NM_001942.4(DSG1):c.2170G>A (p.Glu724Lys)

Genes: DSG1 (desmoglein 1; plus strand), DSG1-AS1 (DSG1 antisense RNA 1; minus strand), LOC126862720 (MED14-independent group 3 enhancer GRCh37_chr18:28933613-28934812; plus strand). Cytogenetic location: 18q12.1.
Variant type: single nucleotide variant.
Coding change: c.2170G>A on transcript NM_001942.4 (MANE Select); coding-DNA position 2170, G replaced by A.
Protein change: p.Glu724Lys; replaces glutamic acid 724 with lysine.
Molecular consequence: missense variant. On other transcripts: non-coding transcript variant (1).
Genome position (GRCh38, 1-based): chr18:31,354,366, G>A. VCF-style: chr18-31354366-G-A. GRCh37 (hg19) VCF-style: chr18-28934329-G-A.
Other names: c.2170G>A (NM_001942.2); short protein forms E724K.
Identifiers: ClinVar variation 2891334 (VCV002891334.4), dbSNP rs763943108, ClinGen allele CA8926306.